The following is an entry in ClinVar:

ClinVar aggregate classification (germline): Likely pathogenic (1 of 4 stars; one submission).

Submission:

GeneDx
Classification: Likely pathogenic. Last evaluated: 2016-09-29. Review status: criteria provided, single submitter. Criteria: GeneDx Variant Classification (06012015). Collection method: clinical testing. Allele origin: germline. Affected: yes.
Comment: The D1499H variant in the SPTBN2 gene has not been reported previously as a pathogenic variant, nor as a benign variant, to our knowledge. The D1499H variant was not observed in approximately 6,500 individuals of European and African American ancestry in the NHLBI Exome Sequencing Project, indicating it is not a common benign variant in these populations. The D1499H variant is a non-conservative amino acid substitution, which is likely to impact secondary protein structure as these residues differ in polarity, charge, size and/or other properties. This substitution occurs at a position in the spectrin domain 12 that is conserved across species. In silico analysis predicts this variant is probably damaging to the protein structure/function. The D1499H variant is a strong candidate for a pathogenic variant .However, the possibility it may be a rare benign variant cannot be excluded.

NM_006946.4(SPTBN2):c.4495G>C (p.Asp1499His)

Gene: SPTBN2 (spectrin beta, non-erythrocytic 2; minus strand). Cytogenetic location: 11q13.2.
Variant type: single nucleotide variant.
Coding change: c.4495G>C on transcript NM_006946.4 (MANE Select); coding-DNA position 4495, G replaced by C.
Protein change: p.Asp1499His; replaces aspartic acid 1499 with histidine.
Molecular consequence: missense variant.
Genome position (GRCh38, 1-based): chr11:66,694,147, C>G on the plus strand (G>C on the coding strand, the complement: SPTBN2 is on the minus strand). VCF-style: chr11-66694147-C-G. GRCh37 (hg19) VCF-style: chr11-66461618-C-G.
Other names: short protein forms D1499H.
Identifiers: ClinVar variation 422265 (VCV000422265.2), dbSNP rs1064795665, ClinGen allele CA16619382.